The following is an entry in ClinVar:

NM_203290.4(POLR1C):c.607C>T (p.Arg203Trp)

Gene: POLR1C (RNA polymerase I and III subunit C; plus strand). Cytogenetic location: 6p21.1.
Variant type: single nucleotide variant.
Coding change: c.607C>T on transcript NM_203290.4 (MANE Select); coding-DNA position 607, C replaced by T.
Protein change: p.Arg203Trp; replaces arginine 203 with tryptophan.
Molecular consequence: missense variant.
Genome position (GRCh38, 1-based): chr6:43,520,379, C>T. VCF-style: chr6-43520379-C-T. GRCh37 (hg19) VCF-style: chr6-43488117-C-T.
Other names: c.607C>T, p.Arg203Trp (NM_001318876.2, NM_001363658.2); c.607C>T (NM_203290.2); short protein forms R203W.
Identifiers: ClinVar variation 1902781 (VCV001902781.6), dbSNP rs761832476, ClinGen allele CA3825503.
Genomic context (GRCh38, chr6:43,520,379, plus strand): 5'-GATCTCTTTCCAGAGGGCACTATCCGACCAGTGCATGATGATATCCTCATCGCTCAGCTG[C>T]GGCCTGGCCAAGAAATTGACCTGCTCATGCACTGTGTCAAGGGCATTGGTGAGAACCCTG-3'
Protein context (NP_976035.1, residues 193-213): VHDDILIAQL[Arg203Trp]PGQEIDLLMH

ClinVar aggregate classification (germline): Uncertain significance. Review status: criteria provided, multiple submitters, no conflicts (2 of 4 stars). 2 submissions from 2 submitters: Uncertain significance (2). Last evaluated 2022-12-09.

Allele frequency attached by ClinVar (database versions not stated): gnomAD exomes below 0.00001; ExAC 0.00003.
gnomAD v4.1: 6 of 1,613,842 alleles (0.00037%); highest among the groups gnomAD compares: Admixed American, 0.0033%; no homozygotes.

Submissions (2):

GeneDx
Classification: Uncertain significance. Last evaluated: 2022-12-09. Review status: criteria provided, single submitter. Criteria: GeneDx Variant Classification Process June 2021. Collection method: clinical testing. Allele origin: germline. Affected: yes.
Comment: In silico analysis supports that this missense variant has a deleterious effect on protein structure/function; Has not been previously published as pathogenic or benign to our knowledge

Labcorp Genetics (formerly Invitae), Labcorp
Classification: Uncertain significance. Last evaluated: 2022-05-28. Review status: criteria provided, single submitter. Criteria: Invitae Variant Classification Sherloc (09022015). Collection method: clinical testing. Allele origin: germline.
Comment: This variant has not been reported in the literature in individuals affected with POLR1C-related conditions. This sequence change replaces arginine, which is basic and polar, with tryptophan, which is neutral and slightly polar, at codon 203 of the POLR1C protein (p.Arg203Trp). This variant is present in population databases (rs761832476, gnomAD 0.003%). Algorithms developed to predict the effect of missense changes on protein structure and function are either unavailable or do not agree on the potential impact of this missense change (SIFT: "Not Available"; PolyPhen-2: "Probably Damaging"; Align-GVGD: "Not Available"). In summary, the available evidence is currently insufficient to determine the role of this variant in disease. Therefore, it has been classified as a Variant of Uncertain Significance.